The following is an entry in ClinVar:

ClinVar aggregate classification (germline): Uncertain significance (1 of 4 stars; one submission).

Conditions:
Craniolenticulosutural dysplasia (CLSD). Also called: BOYADJIEV-JABS SYNDROME. Identifiers: Orphanet 50814, MedGen C1843042, MONDO:0011911, OMIM 607812.

Submission:

Labcorp Genetics (formerly Invitae), Labcorp
Classification: Uncertain significance for Craniolenticulosutural dysplasia. Last evaluated: 2020-03-31. Review status: criteria provided, single submitter. Criteria: Invitae Variant Classification Sherloc (09022015). Collection method: clinical testing. Allele origin: germline.
Comment: Algorithms developed to predict the effect of missense changes on protein structure and function are either unavailable or do not agree on the potential impact of this missense change (SIFT: "Not Available"; PolyPhen-2: "Benign"; Align-GVGD: "Not Available"). In summary, the available evidence is currently insufficient to determine the role of this variant in disease. Therefore, it has been classified as a Variant of Uncertain Significance. This variant has not been reported in the literature in individuals with SEC23A-related conditions. This variant is not present in population databases (ExAC no frequency). This sequence change replaces cysteine with arginine at codon 432 of the SEC23A protein (p.Cys432Arg). The cysteine residue is moderately conserved and there is a large physicochemical difference between cysteine and argininne.

NM_006364.4(SEC23A):c.1294T>C (p.Cys432Arg)

Gene: SEC23A (SEC23 homolog A, COPII component; minus strand). Cytogenetic location: 14q21.1.
Variant type: single nucleotide variant.
Coding change: c.1294T>C on transcript NM_006364.4 (MANE Select); coding-DNA position 1294, T replaced by C.
Protein change: p.Cys432Arg; replaces cysteine 432 with arginine.
Molecular consequence: missense variant.
Genome position (GRCh38, 1-based): chr14:39,064,927, A>G on the plus strand (T>C on the coding strand, the complement: SEC23A is on the minus strand). VCF-style: chr14-39064927-A-G. GRCh37 (hg19) VCF-style: chr14-39534131-A-G.
Other names: short protein forms C432R.
Identifiers: ClinVar variation 1012118 (VCV001012118.7), dbSNP rs1886605183, ClinGen allele CA389534914.